The following is an entry in ClinVar:

ClinVar aggregate classification (germline): Conflicting classifications of pathogenicity. Review status: criteria provided, conflicting classifications (1 of 4 stars). 3 submissions from 3 submitters: Likely pathogenic (2); Uncertain significance (1). Last evaluated 2025-04-20.

Conditions:
Alport syndrome. Also called: Hemorrhagic familial nephritis; Hemorrhagic hereditary nephritis; Congenital hereditary hematuria. Identifiers: Orphanet 63, MedGen C1567741, MONDO:0018965.
Autosomal dominant Alport syndrome (ATS3A). Also called: Alport syndrome dominant type; Renal failure and sensorineural hearing loss; ALPORT SYNDROME 3A, AUTOSOMAL DOMINANT. Identifiers: Orphanet 63, Orphanet 88918, MedGen C5882663, MONDO:0007086, OMIM 104200.

Submissions (3):

Labcorp Genetics (formerly Invitae), Labcorp
Classification: Uncertain significance. Last evaluated: 2025-04-20. Review status: criteria provided, single submitter. Criteria: Invitae Variant Classification Sherloc (09022015). Collection method: clinical testing. Allele origin: germline.
Comment: This sequence change replaces glycine, which is neutral and non-polar, with aspartic acid, which is acidic and polar, at codon 886 of the COL4A3 protein (p.Gly886Asp). This variant is not present in population databases (gnomAD no frequency). This missense change has been observed in individual(s) with Alport syndrome (internal data). ClinVar contains an entry for this variant (Variation ID: 3377036). Experimental studies and prediction algorithms are not available or were not evaluated, and the functional significance of this variant is currently unknown. In summary, the available evidence is currently insufficient to determine the role of this variant in disease. Therefore, it has been classified as a Variant of Uncertain Significance.

Victorian Clinical Genetics Services, Murdoch Childrens Research Institute
Classification: Likely pathogenic for Alport syndrome. Last evaluated: 2024-10-09. Review status: criteria provided, single submitter. Criteria: ACMG Guidelines, 2015. Collection method: clinical testing. Allele origin: germline. Affected: yes.
Comment: Based on the classification scheme VCGS_Germline_v1.3.4, this variant is classified as Likely pathogenic. Following criteria are met: 0103 - Dominant negative and loss of function are known mechanisms of disease in this gene and are associated with Alport syndrome, MONDO:0018965, COL4A3-related. Glycine changes that are part of a G-X-Y repeat in the triple helix of a collagen domain are known to have a dominant negative effect (PMID: 12028435). (I) 0108 - This gene is associated with both recessive and dominant disease, Alport syndrome 3B (MIM#620536) and Alport syndrome 3A (MIM#104200), respectively (OMIM). (I) 0200 - Variant is predicted to result in a missense amino acid change from glycine to aspartic acid. (I) 0251 - This variant is heterozygous. (I) 0304 - Variant is present in gnomAD <0.01 (v2: 1 heterozygote, 0 homozygotes). (SP) 0501 - Missense variant consistently predicted to be damaging by multiple in silico tools or highly conserved with a major amino acid change. (SP) 0601 - Variant is located in the well-established functional Gly-X-Y motif and affects a glycine residue (DECIPHER). (SP) 0705 - No comparable missense variants have previous evidence for pathogenicity. (I) 0807 - This variant has no previous evidence of pathogenicity. It has been reported once as a variant of uncertain significance in the Deafness Variation Database, however insufficient evidence has been provided. (I) 0905 - No published segregation evidence has been identified for this variant. (I) 1007 - No published functional evidence has been identified for this variant. (I) 1208 - Inheritance information for this variant is not currently available in this individual. (I) Legend: (SP) - Supporting pathogenic, (I) - Information, (SB) - Supporting benign

Clinical Genetics Service, Universitary Hospital 12 de Octubre
Classification: Likely pathogenic for Autosomal dominant Alport syndrome. Review status: criteria provided, single submitter. Criteria: ACMG Guidelines, 2015. Collection method: clinical testing. Allele origin: paternal. Affected: yes.

Literature cited by the submitters: PubMed 12028435 (cited by Victorian Clinical Genetics Services, Murdoch Childrens Research Institute).

NM_000091.5(COL4A3):c.2657G>A (p.Gly886Asp)

Genes: COL4A3 (collagen type IV alpha 3 chain; plus strand), MFF-DT (MFF divergent transcript; minus strand). Cytogenetic location: 2q36.3.
Variant type: single nucleotide variant.
Coding change: c.2657G>A on transcript NM_000091.5 (MANE Select); coding-DNA position 2657, G replaced by A.
Protein change: p.Gly886Asp; replaces glycine 886 with aspartic acid.
Molecular consequence: missense variant.
Genome position (GRCh38, 1-based): chr2:227,283,767, G>A. VCF-style: chr2-227283767-G-A. GRCh37 (hg19) VCF-style: chr2-228148483-G-A.
Other names: short protein forms G886D.
Identifiers: ClinVar variation 3377036 (VCV003377036.4).